The following is an entry in ClinVar:

NM_000191.3(HMGCL):c.825C>G (p.Asn275Lys)

Gene: HMGCL (3-hydroxy-3-methylglutaryl-CoA lyase; minus strand). Cytogenetic location: 1p36.11.
Variant type: single nucleotide variant.
Coding change: c.825C>G on transcript NM_000191.3 (MANE Select); coding-DNA position 825, C replaced by G.
Protein change: p.Asn275Lys; replaces asparagine 275 with lysine.
Molecular consequence: missense variant.
Genome position (GRCh38, 1-based): chr1:23,804,451, G>C on the plus strand (C>G on the coding strand, the complement: HMGCL is on the minus strand). VCF-style: chr1-23804451-G-C. GRCh37 (hg19) VCF-style: chr1-24130941-G-C.
Other names: c.612C>G, p.Asn204Lys (NM_001166059.2); short protein forms N275K, N204K.
Identifiers: ClinVar variation 556736 (VCV000556736.4), dbSNP rs1287973337, ClinGen allele CA339021032.
Genomic context (GRCh38, chr1:23,804,451, plus strand): 5'-TGGGCTTACCGTGTGAATGCCCAAGCCCTCTAGCATGTAGACCAGGTCTTCTGTGGCCAA[G>C]TTTCCTGATGCCCCCTGTGCGTAGGGACAGCCTCCAAGTCCTGCCACAGAAGAGTCCACG-3'
Protein context (NP_000182.2, residues 265-285): GCPYAQGASG[Asn275Lys]LATEDLVYML

ClinVar aggregate classification (germline): Conflicting classifications of pathogenicity. Review status: criteria provided, conflicting classifications (1 of 4 stars). 4 submissions from 4 submitters: Likely pathogenic (1); Uncertain significance (2). 1 of the submissions does not count toward it. Last evaluated 2026-07-10.

Conditions:
Deficiency of hydroxymethylglutaryl-CoA lyase (HMGCLD). Also called: Defect in leucine metabolism; 3-hydroxy-3-methylglutaric aciduria; HMGCL DEFICIENCY; HYDROXYMETHYLGLUTARIC ACIDURIA; HMG-CoA LYASE DEFICIENCY. Identifiers: Orphanet 20, MedGen C1533587, MONDO:0009520, OMIM 246450.

Submissions (4):

Myriad Genetics, Inc.
Classification: Uncertain significance for Deficiency of hydroxymethylglutaryl-CoA lyase. Last evaluated: 2026-07-10. Review status: criteria provided, single submitter. Criteria: Myriad Autosomal Dominant, Autosomal Recessive and X-Linked Classification Criteria (2023). Collection method: clinical testing. Allele origin: unknown.
Comment: NM_000191.2(HMGCL):c.825C>G(N275K) is a missense variant classified as a variant of uncertain significance in the context of HMG-CoA lyase deficiency. N275K has been observed in a case with relevant disease (PMID: 23465862). Relevant functional assessments of this variant are not available in the literature. N275K has not been observed in referenced population frequency databases. In summary, there is insufficient evidence to classify NM_000191.2(HMGCL):c.825C>G(N275K) as pathogenic or benign. Please note: this variant was assessed in the context of healthy population screening.

Women's Health and Genetics/Laboratory Corporation of America, LabCorp
Classification: Uncertain significance. Last evaluated: 2024-10-23. Review status: criteria provided, single submitter. Criteria: LabCorp Variant Classification Summary - May 2015. Collection method: clinical testing. Allele origin: germline.
Comment: Variant summary: HMGCL c.825C>G (p.Asn275Lys) results in a non-conservative amino acid change located in the Pyruvate carboxyltransferase domain (IPR000891) of the encoded protein sequence. Five of five in-silico tools predict a damaging effect of the variant on protein function. The frequency data for this variant in gnomAD is considered unreliable, as metrics indicate poor data quality at this position. c.825C>G has been reported in the literature in at-least one individual affected with HMG-CoA Lyase Deficiency (example, Puisac_2013). These data do not allow any conclusion about variant significance. To our knowledge, no experimental evidence demonstrating an impact on protein function has been reported. The following publication has been ascertained in the context of this evaluation (PMID: 23465862). ClinVar contains an entry for this variant (Variation ID: 556736). Based on the evidence outlined above, the variant was classified as uncertain significance.

Neuberg Centre For Genomic Medicine, NCGM
Classification: Likely pathogenic for Deficiency of hydroxymethylglutaryl-CoA lyase. Review status: criteria provided, single submitter. Criteria: ACMG Guidelines, 2015. Collection method: clinical testing. Allele origin: germline. Inheritance: Autosomal recessive inheritance. Affected: yes.
Comment: The HMGCL (c.825C>G) (p.Asn275Lys) variant has been reported as one of the double heterozygous (c.109G>T (p.Glu37*) variant in an individual affected with HMG-CoA lyase deficiency (Puisac B et. al., 2013). The p.Asn275Lys variant is novel (not in any individuals) in gnomAD Exomes and 1000 Genomes. It has been submitted to ClinVar with as Variant of Uncertain Significance (VUS) but no details are available for independent assessment. The amino acid Asn at position 275 is changed to a Lys changing protein sequence and it might alter its composition and physico-chemical properties. The variant is predicted to be probably damaging by PolyPhen 2 and deleterious by SIFT. For these reasons, this variant has been classified as Likely Pathogenic. In the absence of another reportable variant the molecular diagnosis is not confirmed.

Counsyl
Classification: Uncertain significance for Deficiency of hydroxymethylglutaryl-CoA lyase. Last evaluated: 2018-02-14. Review status: no assertion criteria provided. Collection method: clinical testing. Allele origin: unknown. Not counted in ClinVar's aggregate classification.

Literature cited by the submitters: PubMed 23465862 (cited by 3 submitters).